The following is an entry in ClinVar:

NM_006206.6(PDGFRA):c.429T>G (p.Asp143Glu)

Gene: PDGFRA (platelet derived growth factor receptor alpha; plus strand). Cytogenetic location: 4q12.
Variant type: single nucleotide variant.
Coding change: c.429T>G on transcript NM_006206.6 (MANE Select); coding-DNA position 429, T replaced by G.
Protein change: p.Asp143Glu; replaces aspartic acid 143 with glutamic acid.
Molecular consequence: missense variant.
Genome position (GRCh38, 1-based): chr4:54,263,728, T>G. VCF-style: chr4-54263728-T-G. GRCh37 (hg19) VCF-style: chr4-55129895-T-G.
Other names: c.429T>G, p.Asp143Glu (NM_001347827.2, NM_001347829.2); c.504T>G, p.Asp168Glu (NM_001347828.2); c.468T>G, p.Asp156Glu (NM_001347830.2); short protein forms D143E, D168E, D156E.
Identifiers: ClinVar variation 459100 (VCV000459100.10), dbSNP rs1553902692, ClinGen allele CA356889806.

ClinVar aggregate classification (germline): Conflicting classifications of pathogenicity. Review status: criteria provided, conflicting classifications (1 of 4 stars). 2 submissions from 2 submitters: Uncertain significance (1); Likely benign (1). Last evaluated 2026-05-14.

Conditions:
Hereditary cancer-predisposing syndrome. Also called: Tumor predisposition; Hereditary neoplastic syndrome; Neoplastic Syndromes, Hereditary; Hereditary Cancer Syndrome. Identifiers: Orphanet 140162, MedGen C0027672, MeSH D009386, MONDO:0015356.
Gastrointestinal stromal tumor. Also called: Gastrointestinal stroma tumor; Gastrointestinal stromal tumor, somatic. Identifiers: Orphanet 44890, MedGen C0238198, MeSH D046152, MONDO:0011719, OMIM 606764, HP:0100723.

gnomAD v4.1: 2 of 1,613,878 alleles (0.00012%); highest among the groups gnomAD compares: Non-Finnish European, 0.00017%; no homozygotes.

Submissions (2):

Ambry Genetics
Classification: Likely benign for Hereditary cancer-predisposing syndrome. Last evaluated: 2026-05-14. Review status: criteria provided, single submitter. Criteria: Ambry Variant Classification Scheme 2023. Collection method: clinical testing. Allele origin: germline.

Labcorp Genetics (formerly Invitae), Labcorp
Classification: Uncertain significance for Gastrointestinal stromal tumor. Last evaluated: 2020-02-03. Review status: criteria provided, single submitter. Criteria: Invitae Variant Classification Sherloc (09022015). Collection method: clinical testing. Allele origin: germline.
Comment: In summary, this variant is a novel missense change that is not predicted to affect protein function. There is no indication that it causes disease, but the available evidence is currently insufficient to prove that conclusively. Therefore, it has been classified as a Variant of Uncertain Significance. Algorithms developed to predict the effect of missense changes on protein structure and function output the following: (SIFT: "Tolerated"; PolyPhen-2: "Benign"; Align-GVGD: "Class C0"). The glutamic acid amino acid residue is found in multiple mammalian species, suggesting that this missense change does not adversely affect protein function. These predictions have not been confirmed by published functional studies. This variant is not present in population databases (ExAC no frequency) and has not been reported in the literature in individuals with a PDGFRA-related disease. This sequence change replaces aspartic acid with glutamic acid at codon 143 of the PDGFRA protein (p.Asp143Glu). The aspartic acid residue is moderately conserved and there is a small physicochemical difference between aspartic acid and glutamic acid.